The following is an entry in ClinVar:

NM_001184880.2(PCDH19):c.2872C>T (p.Arg958Trp)

Gene: PCDH19 (protocadherin 19; minus strand). Cytogenetic location: Xq22.1.
Variant type: single nucleotide variant.
Coding change: c.2872C>T on transcript NM_001184880.2 (MANE Select); coding-DNA position 2872, C replaced by T.
Protein change: p.Arg958Trp; replaces arginine 958 with tryptophan.
Molecular consequence: missense variant.
Genome position (GRCh38, 1-based): chrX:100,296,852, G>A on the plus strand (C>T on the coding strand, the complement: PCDH19 is on the minus strand). VCF-style: chrX-100296852-G-A. GRCh37 (hg19) VCF-style: chrX-99551850-G-A.
Other names: c.2731C>T, p.Arg911Trp (NM_001105243.2); c.2728C>T, p.Arg910Trp (NM_020766.3); short protein forms R911W, R958W, R910W.
Identifiers: ClinVar variation 839055 (VCV000839055.12), dbSNP rs1309638639, ClinGen allele CA414000948.

ClinVar aggregate classification (germline): Uncertain significance. Review status: criteria provided, multiple submitters, no conflicts (2 of 4 stars). 2 submissions from 2 submitters: Uncertain significance (2). Last evaluated 2022-03-25.

Conditions:
Developmental and epileptic encephalopathy, 9 (DEE9). Also called: JUBERG-HELLMAN SYNDROME; EPILEPSY, FEMALE-RESTRICTED, WITH MENTAL RETARDATION; Early infantile epileptic encephalopathy 9; PCDH19-Related X-Linked Female-Limited Epilepsy with Mental Retardation. Identifiers: Orphanet 101039, Orphanet 2076, MedGen C1848137, MONDO:0010246, OMIM 300088. Disease mechanism: loss of function.
Inborn genetic diseases. Identifiers: MedGen C0950123, MeSH D030342.

Allele frequency attached by ClinVar (database versions not stated): gnomAD exomes 0.00001 and 0.00002; gnomAD 0.00002; TOPMed 0.00003.
gnomAD v4.1: 15 of 1,206,190 alleles (0.0012%); highest among the groups gnomAD compares: Admixed American, 0.013%; no homozygotes.

Submissions (2):

Labcorp Genetics (formerly Invitae), Labcorp
Classification: Uncertain significance for Developmental and epileptic encephalopathy, 9. Last evaluated: 2022-03-25. Review status: criteria provided, single submitter. Criteria: Invitae Variant Classification Sherloc (09022015). Collection method: clinical testing. Allele origin: germline.
Comment: In summary, the available evidence is currently insufficient to determine the role of this variant in disease. Therefore, it has been classified as a Variant of Uncertain Significance. Advanced modeling of protein sequence and biophysical properties (such as structural, functional, and spatial information, amino acid conservation, physicochemical variation, residue mobility, and thermodynamic stability) performed at Invitae indicates that this missense variant is not expected to disrupt PCDH19 protein function. ClinVar contains an entry for this variant (Variation ID: 839055). This variant has not been reported in the literature in individuals affected with PCDH19-related conditions. The frequency data for this variant in the population databases is considered unreliable, as metrics indicate poor data quality at this position in the gnomAD database. This sequence change replaces arginine, which is basic and polar, with tryptophan, which is neutral and slightly polar, at codon 958 of the PCDH19 protein (p.Arg958Trp).

Ambry Genetics
Classification: Uncertain significance for Inborn genetic diseases. Last evaluated: 2017-07-27. Review status: criteria provided, single submitter. Criteria: Ambry Variant Classification Scheme 2023. Collection method: clinical testing. Allele origin: germline.
Comment: The p.R958W variant (also known as c.2872C>T), located in coding exon 6 of the PCDH19 gene, results from a C to T substitution at nucleotide position 2872. The arginine at codon 958 is replaced by tryptophan, an amino acid with dissimilar properties. A different alteration located at the same position, p.R958Q, was detected in an individual with Lennox-Gastaut Syndrome (LGS) (Carvill GL et al. Nat. Genet., 2013 Jul;45:825-30). The p.R958W amino acid position is well conserved in available vertebrate species. In addition, this alteration is predicted to be tolerated by in silico analysis. Since supporting evidence is limited at this time, the clinical significance of this alteration remains unclear.

Literature cited by the submitters: PubMed 23708187 (cited by Ambry Genetics); PubMed 27884173 (cited by Ambry Genetics).